The following is an entry in ClinVar:

NM_004415.4(DSP):c.8516_8517del (p.Ser2839fs)

Gene: DSP (desmoplakin; plus strand). Cytogenetic location: 6p24.3.
Variant type: Deletion.
Coding change: c.8516_8517del on transcript NM_004415.4 (MANE Select); coding-DNA positions 8516 to 8517, 2 bases deleted (CC; older notation c.8516_8517delCC).
Protein change: p.Ser2839fs; shifts the reading frame from serine 2839.
Molecular consequence: frameshift variant.
Genome position (GRCh38, 1-based): chr6:7,585,778-7,585,779, CC deleted. VCF-style (leftmost placement, unchanged base first): chr6-7585777-TCC-T. GRCh37 (hg19) VCF-style: chr6-7586010-TCC-T.
Other names: c.6719_6720del, p.Ser2240fs (NM_001008844.3); c.7187_7188del, p.Ser2396fs (NM_001319034.2); short protein forms S2240fs, S2396fs, S2839fs.
Identifiers: ClinVar variation 3069314 (VCV003069314.3), dbSNP rs777040031, ClinGen allele CA052674.

ClinVar aggregate classification (germline): Conflicting classifications of pathogenicity. Review status: criteria provided, conflicting classifications (1 of 4 stars). 2 submissions from 2 submitters: Uncertain significance (1); Likely benign (1). Last evaluated 2024-07-01.

Conditions:
Arrhythmogenic cardiomyopathy with wooly hair and keratoderma. Also called: Dilated cardiomyopathy with woolly hair and keratoderma; Arrhythmogenic cardiomyopathy with woolly hair and keratoderma; PALMOPLANTAR KERATODERMA WITH LEFT VENTRICULAR CARDIOMYOPATHY AND WOOLLY HAIR; Carvajal syndrome. Identifiers: Orphanet 65282, MedGen C1854063, MONDO:0011581, OMIM 605676.

Allele frequency attached by ClinVar (database versions not stated): gnomAD 0.00002; ExAC 0.00003; gnomAD exomes 0.00005.

Submissions (2):

Blueprint Genetics
Classification: Likely benign. Last evaluated: 2024-07-01. Review status: criteria provided, single submitter. Criteria: ACMG Guidelines, 2015. Collection method: clinical testing. Allele origin: germline.

All of Us Research Program, National Institutes of Health
Classification: Uncertain significance for Arrhythmogenic cardiomyopathy with wooly hair and keratoderma. Last evaluated: 2024-05-17. Review status: criteria provided, single submitter. Criteria: ACMG Guidelines, 2015. Collection method: clinical testing. Allele origin: germline. Inheritance: Autosomal dominant inheritance. Observed: 13 variant alleles, 13 heterozygotes.
Comment: This variant deletes 2 nucleotides in exon 24 of the DSP gene, creating a frameshift in the last exon. This variant is expected to result in an absent or non-functional protein product. The mutant transcript is expected to escape nonsense-mediated decay and be expressed as a protein product containing altered C-terminal sequence. To our knowledge, this variant has not been reported in individuals affected with cardiovascular disorders in the literature. This variant has been identified in 9/276944 chromosomes in the general population by the Genome Aggregation Database (gnomAD). The available evidence is insufficient to determine the role of this variant in disease conclusively. Therefore, this variant is classified as a Variant of Uncertain Significance.

This study involves interpretation of variants in research participants for the purpose of population health screening. Participant phenotype was not available at the time of variant classification. Additional details can be found in publication PMID: 35346344, PMCID: PMC8962531